The following is an entry in ClinVar:

ClinVar aggregate classification (germline): Uncertain significance (0 of 4 stars; one submission).

Conditions:
Prostate cancer. Also called: Malignant tumor of prostate. Identifiers: Orphanet 1331, MedGen C0376358, MONDO:0008315, HP:0012125.

Allele frequency attached by ClinVar (database versions not stated): gnomAD exomes below 0.00001.

Submission:

Science for Life laboratory,  Karolinska Institutet
Classification: Uncertain significance for Malignant tumor of prostate. Review status: no assertion criteria provided. Collection method: not provided. Allele origin: somatic.
Comment: TumorID:SWE-90B
ClinVar note: Converted during submission from Unknown to Uncertain significance.

NM_030933.4(SHCBP1L):c.881C>A (p.Thr294Lys)

Gene: SHCBP1L (SHC binding and spindle associated 1 like; minus strand). Cytogenetic location: 1q25.3.
Variant type: single nucleotide variant.
Coding change: c.881C>A on transcript NM_030933.4 (MANE Select); coding-DNA position 881, C replaced by A.
Protein change: p.Thr294Lys; replaces threonine 294 with lysine.
Molecular consequence: missense variant.
Genome position (GRCh38, 1-based): chr1:182,939,371, G>T on the plus strand (C>A on the coding strand, the complement: SHCBP1L is on the minus strand). VCF-style: chr1-182939371-G-T. GRCh37 (hg19) VCF-style: chr1-182908506-G-T.
Other names: c.524C>A, p.Thr175Lys (NM_001345928.2); short protein forms T294K, T175K.
Identifiers: ClinVar variation 161777 (VCV000161777.2), dbSNP rs193921086, ClinGen allele CA174765.